The following is an entry in ClinVar:

NM_014727.3(KMT2B):c.2458-3C>T

Gene: KMT2B (lysine methyltransferase 2B; plus strand). Cytogenetic location: 19q13.12.
Variant type: single nucleotide variant.
Coding change: c.2458-3C>T on transcript NM_014727.3 (MANE Select); 3 bases into the intron before coding-DNA position 2458, C replaced by T.
Molecular consequence: intron variant.
Genome position (GRCh38, 1-based): chr19:35,722,356, C>T. VCF-style: chr19-35722356-C-T. GRCh37 (hg19) VCF-style: chr19-36213258-C-T.
Identifiers: ClinVar variation 3115978 (VCV003115978.1), dbSNP rs2513320920, ClinGen allele CA2584572154.

ClinVar aggregate classification (germline): Uncertain significance (1 of 4 stars; one submission).

Conditions:
Inborn genetic diseases. Identifiers: MedGen C0950123, MeSH D030342.

Allele frequency attached by ClinVar (database versions not stated): gnomAD exomes below 0.00001.
gnomAD v4.1: 1 of 1,606,460 alleles (0.000062%); highest among the groups gnomAD compares: Non-Finnish European, 0.000085%; no homozygotes.

Submission:

Ambry Genetics
Classification: Uncertain significance for Inborn genetic diseases. Last evaluated: 2024-02-20. Review status: criteria provided, single submitter. Criteria: Ambry Variant Classification Scheme 2023. Collection method: clinical testing. Allele origin: germline.
Comment: The c.2458-3C>T intronic alteration consists of a C to T substitution 3 nucleotides before coding exon 4 in the KMT2B gene. Based on insufficient or conflicting evidence, the clinical significance of this alteration remains unclear.